The following is an entry in ClinVar:

ClinVar aggregate classification (germline): Likely benign. Review status: criteria provided, multiple submitters, no conflicts (2 of 4 stars). 2 submissions from 2 submitters: Likely benign (2). Last evaluated 2026-01-22.

Conditions:
FHOD3-related disorder. Also called: FHOD3-related condition.

gnomAD v4.1: 34 of 1,614,120 alleles (0.0021%); highest among the groups gnomAD compares: South Asian, 0.0055%; no homozygotes.

Submissions (2):

PreventionGenetics, part of Exact Sciences
Classification: Likely benign for FHOD3-related condition. Last evaluated: 2026-01-22. Review status: criteria provided, single submitter. Criteria: ACMG Guidelines, 2015. Collection method: clinical testing. Allele origin: germline.
Comment: This variant is classified as likely benign based on ACMG/AMP sequence variant interpretation guidelines (Richards et al. 2015 PMID: 25741868, with internal and published modifications).

Blueprint Genetics
Classification: Likely benign. Last evaluated: 2024-11-25. Review status: criteria provided, single submitter. Criteria: ACMG Guidelines, 2015. Collection method: clinical testing. Allele origin: germline.

NM_001281740.3(FHOD3):c.2484G>A (p.Thr828=)

Gene: FHOD3 (formin homology 2 domain containing 3; plus strand). Cytogenetic location: 18q12.2.
Variant type: single nucleotide variant.
Coding change: c.2484G>A on transcript NM_001281740.3 (MANE Select); coding-DNA position 2484, G replaced by A.
Protein change: p.Thr828=; no amino-acid change (threonine 828 retained).
Molecular consequence: synonymous variant.
Genome position (GRCh38, 1-based): chr18:36,709,342, G>A. VCF-style: chr18-36709342-G-A. GRCh37 (hg19) VCF-style: chr18-34289305-G-A.
Other names: c.2484G>A (NM_001281740.2); c.1908G>A, p.Thr636= (NM_001281739.3); c.1959G>A, p.Thr653= (NM_025135.5).
Identifiers: ClinVar variation 4938778 (VCV004938778.2).